The following is an entry in ClinVar:

NM_007294.4(BRCA1):c.5376G>A (p.Val1792=)

Gene: BRCA1 (BRCA1 DNA repair associated; minus strand). Cytogenetic location: 17q21.31.
Variant type: single nucleotide variant.
Coding change: c.5376G>A on transcript NM_007294.4 (MANE Select); coding-DNA position 5376, G replaced by A.
Protein change: p.Val1792=; no amino-acid change (valine 1792 retained).
Molecular consequence: synonymous variant. On other transcripts: intron variant (19).
Genome position (GRCh38, 1-based): chr17:43,049,151, C>T on the plus strand (G>A on the coding strand, the complement: BRCA1 is on the minus strand). VCF-style: chr17-43049151-C-T. GRCh37 (hg19) VCF-style: chr17-41201168-C-T.
Other names: c.5163G>A, p.Val1721= (NM_001407571.1, NM_001407894.1, NM_001407895.1 and 12 more transcripts); c.5442G>A, p.Val1814= (NM_001407581.1, NM_001407582.1); c.5439G>A, p.Val1813= (NM_001407583.1, NM_001407585.1, NM_001407587.1 and 1 more transcripts); c.5436G>A, p.Val1812= (NM_001407590.1, NM_001407591.1); c.5376G>A, p.Val1792= (NM_001407593.1, NM_001407594.1, NM_001407596.1 and 5 more transcripts); c.5373G>A, p.Val1791= (NM_001407610.1, NM_001407611.1, NM_001407612.1 and 14 more transcripts); c.5370G>A, p.Val1790= (NM_001407627.1, NM_001407628.1, NM_001407629.1 and 13 more transcripts); c.5367G>A, p.Val1789= (NM_001407644.1, NM_001407645.1); and 84 more.
Identifiers: ClinVar variation 415572 (VCV000415572.24), dbSNP rs1060504569, ClinGen allele CA16615642.

ClinVar aggregate classification (germline): Likely benign. Review status: criteria provided, multiple submitters, no conflicts (2 of 4 stars). 4 submissions from 4 submitters: Likely benign (4). Last evaluated 2025-12-30.

Conditions:
Breast-ovarian cancer, familial, susceptibility to, 1 (BROVCA1). Also called: BRCA1 Hereditary Breast and Ovarian Cancer; OVARIAN CANCER, SUSCEPTIBILITY TO. Identifiers: Orphanet 145, MedGen C2676676, MONDO:0011450, OMIM 604370. Disease mechanism: loss of function.
Hereditary cancer-predisposing syndrome. Also called: Neoplastic Syndromes, Hereditary; Hereditary neoplastic syndrome; Hereditary Cancer Syndrome; Tumor predisposition. Identifiers: Orphanet 140162, MedGen C0027672, MeSH D009386, MONDO:0015356.
Hereditary breast ovarian cancer syndrome. Also called: Hereditary breast and ovarian cancer syndrome; Breast and ovarian cancer; Hereditary breast and ovarian cancer syndrome (HBOC); Hereditary breast and/or ovarian cancer syndrome; BRCA1- and BRCA2-Associated Hereditary Breast and Ovarian Cancer; Hereditary breast and ovarian cancer. Identifiers: Orphanet 145, MedGen C0677776, MeSH D061325, MONDO:0003582. Disease mechanism: loss of function.

Allele frequency attached by ClinVar (database versions not stated): TOPMed 0.00001.

Submissions (5):

Labcorp Genetics (formerly Invitae), Labcorp
Classification: Likely benign for Hereditary breast ovarian cancer syndrome. Last evaluated: 2025-12-30. Review status: criteria provided, single submitter. Criteria: Invitae Variant Classification Sherloc (09022015). Collection method: clinical testing. Allele origin: germline.

All of Us Research Program, National Institutes of Health
Classification: Likely benign for Breast-ovarian cancer, familial, susceptibility to, 1. Last evaluated: 2023-08-28. Review status: criteria provided, single submitter. Criteria: ACMG Guidelines, 2015. Collection method: clinical testing. Allele origin: germline. Inheritance: Autosomal dominant inheritance. Observed: 1 variant allele, 1 heterozygote.
Comment: This study involves interpretation of variants in research participants for the purpose of population health screening. Participant phenotype was not available at the time of variant classification. Additional details can be found in publication PMID: 35346344, PMCID: PMC8962531

Women's Health and Genetics/Laboratory Corporation of America, LabCorp
Classification: Likely benign. Last evaluated: 2023-01-22. Review status: criteria provided, single submitter. Criteria: LabCorp Variant Classification Summary - May 2015. Collection method: clinical testing. Allele origin: germline.

Ambry Genetics
Classification: Likely benign for Hereditary cancer-predisposing syndrome. Last evaluated: 2022-02-28. Review status: criteria provided, single submitter. Criteria: Ambry Variant Classification Scheme 2023. Collection method: clinical testing. Allele origin: germline.

Brotman Baty Institute, University of Washington
No classification provided (evidence only). Condition: Breast-ovarian cancer, familial 1. Review status: no classification provided. Collection method: in vitro. Allele origin: not applicable. Functional consequence: functionally_normal. Not counted in ClinVar's aggregate classification.
ClinVar note: "not provided" was previously submitted as the classification for the variant. However, the classification appeared to be based only on an observation of functional data so it was converted to no classification on 2025-07-30.